The following is an entry in ClinVar:

NM_153766.3(KCNJ1):c.156G>A (p.Thr52=)

Gene: KCNJ1 (potassium inwardly rectifying channel subfamily J member 1; minus strand). Cytogenetic location: 11q24.3.
Variant type: single nucleotide variant.
Coding change: c.156G>A on transcript NM_153766.3 (MANE Select); coding-DNA position 156, G replaced by A.
Protein change: p.Thr52=; no amino-acid change (threonine 52 retained).
Molecular consequence: synonymous variant.
Genome position (GRCh38, 1-based): chr11:128,840,088, C>T on the plus strand (G>A on the coding strand, the complement: KCNJ1 is on the minus strand). VCF-style: chr11-128840088-C-T. GRCh37 (hg19) VCF-style: chr11-128709983-C-T.
Other names: c.213G>A, p.Thr71= (NM_000220.6); c.156G>A, p.Thr52= (NM_153764.3, NM_153767.4); c.207G>A, p.Thr69= (NM_153765.3).
Identifiers: ClinVar variation 741060 (VCV000741060.8), dbSNP rs141393013, ClinGen allele CA6357562.

ClinVar aggregate classification (germline): Likely benign. Review status: criteria provided, single submitter (1 of 4 stars). 2 submissions from 2 submitters: Likely benign (1). 1 of the submissions does not count toward it. Last evaluated 2025-06-12.

Conditions:
KCNJ1-related disorder. Also called: KCNJ1-related condition.

Allele frequency attached by ClinVar (database versions not stated): gnomAD exomes 0.00001; ExAC 0.00002; TOPMed 0.00002; ESP Exome Variant Server 0.00008.
gnomAD v4.1: 7 of 1,614,124 alleles (0.00043%); highest among the groups gnomAD compares: African/African-American, 0.0027%; no homozygotes.

Submissions (2):

Labcorp Genetics (formerly Invitae), Labcorp
Classification: Likely benign. Last evaluated: 2025-06-12. Review status: criteria provided, single submitter. Criteria: Invitae Variant Classification Sherloc (09022015). Collection method: clinical testing. Allele origin: germline.

PreventionGenetics, part of Exact Sciences
Classification: Likely benign for KCNJ1-related condition. Last evaluated: 2020-03-17. Review status: no assertion criteria provided. Collection method: clinical testing. Allele origin: germline. Not counted in ClinVar's aggregate classification.
Comment: This variant is classified as likely benign based on ACMG/AMP sequence variant interpretation guidelines (Richards et al. 2015 PMID: 25741868, with internal and published modifications).